The following is an entry in ClinVar:

NM_015335.5(MED13L):c.5917G>T (p.Gly1973Cys)

Gene: MED13L (mediator complex subunit 13L; minus strand). Cytogenetic location: 12q24.21.
Variant type: single nucleotide variant.
Coding change: c.5917G>T on transcript NM_015335.5 (MANE Select); coding-DNA position 5917, G replaced by T.
Protein change: p.Gly1973Cys; replaces glycine 1973 with cysteine.
Molecular consequence: missense variant.
Genome position (GRCh38, 1-based): chr12:115,970,744, C>A on the plus strand (G>T on the coding strand, the complement: MED13L is on the minus strand). VCF-style: chr12-115970744-C-A. GRCh37 (hg19) VCF-style: chr12-116408549-C-A.
Other names: short protein forms G1973C.
Identifiers: ClinVar variation 4088124 (VCV004088124.1).

ClinVar aggregate classification (germline): Uncertain significance (1 of 4 stars; one submission).

Submission:

GeneDx
Classification: Uncertain significance. Last evaluated: 2025-03-25. Review status: criteria provided, single submitter. Criteria: GeneDx Variant Classification Process June 2021. Collection method: clinical testing. Allele origin: germline. Affected: yes.
Comment: Not observed at significant frequency in large population cohorts (gnomAD); In silico analysis supports that this missense variant has a deleterious effect on protein structure/function; Has not been previously published as pathogenic or benign to our knowledge